The following is an entry in ClinVar:

ClinVar aggregate classification (germline): Uncertain significance (1 of 4 stars; one submission).

Submission:

CeGaT Center for Human Genetics Tuebingen
Classification: Uncertain significance. Last evaluated: 2025-09-01. Review status: criteria provided, single submitter. Criteria: CeGaT Center For Human Genetics Tuebingen Variant Classification Criteria Version 2. Collection method: clinical testing. Allele origin: germline. Affected: yes. Observed: 1 variant allele.
Comment: UBAP1: PM2, PM4, PP4

NM_016525.5(UBAP1):c.462_467del (p.Asn155_Leu156del)

Gene: UBAP1 (ubiquitin associated protein 1; plus strand). Cytogenetic location: 9p13.3.
Variant type: Deletion.
Coding change: c.462_467del on transcript NM_016525.5 (MANE Select); coding-DNA positions 462 to 467, 6 bases deleted (CAATCT; older notation c.462_467delCAATCT).
Protein change: p.Asn155_Leu156del.
Molecular consequence: inframe deletion. On other transcripts: non-coding transcript variant (1).
Genome position (GRCh38, 1-based): chr9:34,241,487-34,241,492, CAATCT deleted; deleting any 6 consecutive bases within chr9:34,241,486-34,241,492 gives the same sequence; the c. name uses the placement nearest the transcript's 3' end. VCF-style (leftmost placement, unchanged base first): chr9-34241485-TTCAATC-T. GRCh37 (hg19) VCF-style: chr9-34241483-TTCAATC-T.
Other names: c.654_659del, p.Asn219_Leu220del (NM_001171201.1); c.570_575del, p.Asn191_Leu192del (NM_001171202.1); c.462_467del, p.Asn155_Leu156del (NM_001171203.3, NM_001171204.3).
Identifiers: ClinVar variation 4281443 (VCV004281443.7).
Genomic context (GRCh38, chr9:34,241,485, plus strand): 5'-CGGGTCAGCAGTAGTGCCACGAAACAGAAAGTTCTCAGCCCACCTCACATAAAGGCGGAT[TTCAATC>T]TTGCTGACTTTGAGTGTGAAGAAGACCCATTTGATAATCTGGAGTTAAAAACTATTGATG-3'